The following is an entry in ClinVar:

NM_000059.4(BRCA2):c.7008C>A (p.Arg2336=)

Gene: BRCA2 (BRCA2 DNA repair associated; plus strand). Cytogenetic location: 13q13.1.
Variant type: single nucleotide variant.
Coding change: c.7008C>A on transcript NM_000059.4 (MANE Select); coding-DNA position 7008, C replaced by A.
Protein change: p.Arg2336=; no amino-acid change (arginine 2336 retained).
Molecular consequence: synonymous variant.
Genome position (GRCh38, 1-based): chr13:32,354,861, C>A. VCF-style: chr13-32354861-C-A. GRCh37 (hg19) VCF-style: chr13-32928998-C-A.
Identifiers: ClinVar variation 531493 (VCV000531493.11), dbSNP rs1555285975, ClinGen allele CA483275974.

ClinVar aggregate classification (germline): Conflicting classifications of pathogenicity. Review status: criteria provided, conflicting classifications (1 of 4 stars). 2 submissions from 2 submitters: Uncertain significance (1); Likely benign (1). Last evaluated 2026-01-18.

Conditions:
Hereditary breast ovarian cancer syndrome. Also called: Hereditary breast and ovarian cancer syndrome (HBOC); BRCA1- and BRCA2-Associated Hereditary Breast and Ovarian Cancer; Hereditary breast and ovarian cancer syndrome; Breast and ovarian cancer; Hereditary breast and ovarian cancer; Hereditary breast and/or ovarian cancer syndrome. Identifiers: Orphanet 145, MedGen C0677776, MeSH D061325, MONDO:0003582. Disease mechanism: loss of function.

Submissions (2):

Labcorp Genetics (formerly Invitae), Labcorp
Classification: Likely benign for Hereditary breast ovarian cancer syndrome. Last evaluated: 2026-01-18. Review status: criteria provided, single submitter. Criteria: Invitae Variant Classification Sherloc (09022015). Collection method: clinical testing. Allele origin: germline.

GeneDx
Classification: Uncertain significance. Last evaluated: 2023-04-11. Review status: criteria provided, single submitter. Criteria: GeneDx Variant Classification Process June 2021. Collection method: clinical testing. Allele origin: germline. Affected: yes.
Comment: Not observed at significant frequency in large population cohorts (gnomAD); In silico analysis supports that this variant does not alter splicing; Has not been previously published as pathogenic or benign to our knowledge; Also known as 7236C>A